The following is an entry in ClinVar:

ClinVar aggregate classification (germline): Uncertain significance (1 of 4 stars; one submission).

Submission:

Labcorp Genetics (formerly Invitae), Labcorp
Classification: Uncertain significance. Last evaluated: 2022-02-25. Review status: criteria provided, single submitter. Criteria: Invitae Variant Classification Sherloc (09022015). Collection method: clinical testing. Allele origin: germline.
Comment: This sequence change replaces glutamine, which is neutral and polar, with arginine, which is basic and polar, at codon 388 of the PLK4 protein (p.Gln388Arg). This variant is not present in population databases (gnomAD no frequency). This variant has not been reported in the literature in individuals affected with PLK4-related conditions. Algorithms developed to predict the effect of missense changes on protein structure and function (SIFT, PolyPhen-2, Align-GVGD) all suggest that this variant is likely to be tolerated. In summary, the available evidence is currently insufficient to determine the role of this variant in disease. Therefore, it has been classified as a Variant of Uncertain Significance.

NM_014264.5(PLK4):c.1163A>G (p.Gln388Arg)

Gene: PLK4 (polo like kinase 4; plus strand). Cytogenetic location: 4q28.1.
Variant type: single nucleotide variant.
Coding change: c.1163A>G on transcript NM_014264.5 (MANE Select); coding-DNA position 1163, A replaced by G.
Protein change: p.Gln388Arg; replaces glutamine 388 with arginine.
Molecular consequence: missense variant.
Genome position (GRCh38, 1-based): chr4:127,886,533, A>G. VCF-style: chr4-127886533-A-G. GRCh37 (hg19) VCF-style: chr4-128807688-A-G.
Other names: c.1067A>G, p.Gln356Arg (NM_001190799.2); c.1040A>G, p.Gln347Arg (NM_001190801.2); short protein forms Q347R, Q356R, Q388R.
Identifiers: ClinVar variation 2103495 (VCV002103495.4), dbSNP rs753076855, ClinGen allele CA358152674.
Genomic context (GRCh38, chr4:127,886,533, plus strand): 5'-CACATTCTCGATACCTTCGTAGAGCTTATTCCTCTGATAGATCTGGCACTTCTAATAGTC[A>G]GTCTCAAGCAAAAACATATACAATGGAACGATGTCACTCAGCAGAAATGCTTTCAGTGTC-3'
Protein context (NP_055079.3, residues 378-398): SSDRSGTSNS[Gln388Arg]SQAKTYTMER